The following is an entry in ClinVar:

NM_014014.5(SNRNP200):c.4556G>A (p.Arg1519His)

Gene: SNRNP200 (small nuclear ribonucleoprotein U5 subunit 200; minus strand). Cytogenetic location: 2q11.2.
Variant type: single nucleotide variant.
Coding change: c.4556G>A on transcript NM_014014.5 (MANE Select); coding-DNA position 4556, G replaced by A.
Protein change: p.Arg1519His; replaces arginine 1519 with histidine.
Molecular consequence: missense variant.
Genome position (GRCh38, 1-based): chr2:96,283,841, C>T on the plus strand (G>A on the coding strand, the complement: SNRNP200 is on the minus strand). VCF-style: chr2-96283841-C-T. GRCh37 (hg19) VCF-style: chr2-96949579-C-T.
Other names: short protein forms R1519H.
Identifiers: ClinVar variation 2101700 (VCV002101700.5), dbSNP rs754754236, ClinGen allele CA1778200.

ClinVar aggregate classification (germline): Uncertain significance. Review status: criteria provided, multiple submitters, no conflicts (2 of 4 stars). 2 submissions from 2 submitters: Uncertain significance (2). Last evaluated 2024-12-30.

Allele frequency attached by ClinVar (database versions not stated): TOPMed below 0.00001; gnomAD 0.00001; gnomAD exomes 0.00001.
gnomAD v4.1: 9 of 1,604,928 alleles (0.00056%); highest among the groups gnomAD compares: South Asian, 0.0033%; no homozygotes.

Submissions (2):

Labcorp Genetics (formerly Invitae), Labcorp
Classification: Uncertain significance. Last evaluated: 2024-12-30. Review status: criteria provided, single submitter. Criteria: Invitae Variant Classification Sherloc (09022015). Collection method: clinical testing. Allele origin: germline.
Comment: This sequence change replaces arginine, which is basic and polar, with histidine, which is basic and polar, at codon 1519 of the SNRNP200 protein (p.Arg1519His). This variant is not present in population databases (gnomAD no frequency). This variant has not been reported in the literature in individuals affected with SNRNP200-related conditions. ClinVar contains an entry for this variant (Variation ID: 2101700). Invitae Evidence Modeling of protein sequence and biophysical properties (such as structural, functional, and spatial information, amino acid conservation, physicochemical variation, residue mobility, and thermodynamic stability) has been performed for this missense variant. However, the output from this modeling did not meet the statistical confidence thresholds required to predict the impact of this variant on SNRNP200 protein function. In summary, the available evidence is currently insufficient to determine the role of this variant in disease. Therefore, it has been classified as a Variant of Uncertain Significance.

Blueprint Genetics
Classification: Uncertain significance. Last evaluated: 2023-09-20. Review status: criteria provided, single submitter. Criteria: ACMG Guidelines, 2015. Collection method: clinical testing. Allele origin: germline.